The following is an entry in ClinVar:

ClinVar aggregate classification (germline): Benign/Likely benign. Review status: criteria provided, multiple submitters, no conflicts (2 of 4 stars). 4 submissions from 4 submitters: Benign (1); Likely benign (3). Last evaluated 2025-03-04.

Conditions:
Hereditary cancer-predisposing syndrome. Also called: Hereditary Cancer Syndrome; Tumor predisposition; Hereditary neoplastic syndrome; Neoplastic Syndromes, Hereditary. Identifiers: Orphanet 140162, MedGen C0027672, MeSH D009386, MONDO:0015356.
Hereditary nonpolyposis colorectal neoplasms. Identifiers: MedGen C0009405, MeSH D003123.
Lynch syndrome 5 (LYNCH5). Also called: Hereditary non-polyposis colorectal cancer, type 5; Colorectal cancer, hereditary nonpolyposis, type 5. Identifiers: Orphanet 144, MedGen C1833477, MONDO:0013710, OMIM 614350. Disease mechanism: loss of function.

Submissions (4):

Center for Genomic Medicine, Rigshospitalet, Copenhagen University Hospital
Classification: Likely benign. Last evaluated: 2025-03-04. Review status: criteria provided, single submitter. Criteria: ACMG Guidelines, 2015. Collection method: clinical testing. Allele origin: germline.

Myriad Genetics, Inc.
Classification: Benign for Lynch syndrome 5. Last evaluated: 2024-12-17. Review status: criteria provided, single submitter. Criteria: Myriad Autosomal Dominant, Autosomal Recessive and X-Linked Classification Criteria (2023). Collection method: clinical testing. Allele origin: unknown.
Comment: This variant is considered benign. This variant is a silent/synonymous amino acid change and it is not expected to impact splicing.

Labcorp Genetics (formerly Invitae), Labcorp
Classification: Likely benign for Hereditary nonpolyposis colorectal neoplasms. Last evaluated: 2024-04-22. Review status: criteria provided, single submitter. Criteria: Invitae Variant Classification Sherloc (09022015). Collection method: clinical testing. Allele origin: germline.

Ambry Genetics
Classification: Likely benign for Hereditary cancer-predisposing syndrome. Last evaluated: 2024-03-13. Review status: criteria provided, single submitter. Criteria: Ambry Variant Classification Scheme 2023. Collection method: clinical testing. Allele origin: germline.

NM_000179.3(MSH6):c.153C>T (p.Ser51=)

Gene: MSH6 (mutS homolog 6; plus strand). Cytogenetic location: 2p16.3.
Variant type: single nucleotide variant.
Coding change: c.153C>T on transcript NM_000179.3 (MANE Select); coding-DNA position 153, C replaced by T.
Protein change: p.Ser51=; no amino-acid change (serine 51 retained).
Molecular consequence: synonymous variant. On other transcripts: 5 prime UTR variant (1).
Genome position (GRCh38, 1-based): chr2:47,783,386, C>T. VCF-style: chr2-47783386-C-T. GRCh37 (hg19) VCF-style: chr2-48010525-C-T.
Other names: c.153C>T (NM_000179.2); c.153C>T, p.Ser51= (NM_001281492.2); c.-584C>T (NM_001281493.2).
Identifiers: ClinVar variation 1045118 (VCV001045118.18), dbSNP rs762061869, ClinGen allele CA346734946.